The following is an entry in ClinVar:

NM_181332.3(NLGN4X):c.1306C>T (p.Arg436Trp)

Gene: NLGN4X (neuroligin 4 X-linked; minus strand). Cytogenetic location: Xp22.32.
Variant type: single nucleotide variant.
Coding change: c.1306C>T on transcript NM_181332.3 (MANE Select); coding-DNA position 1306, C replaced by T.
Protein change: p.Arg436Trp; replaces arginine 436 with tryptophan.
Molecular consequence: missense variant.
Genome position (GRCh38, 1-based): chrX:5,903,372, G>A on the plus strand (C>T on the coding strand, the complement: NLGN4X is on the minus strand). VCF-style: chrX-5903372-G-A. GRCh37 (hg19) VCF-style: chrX-5821413-G-A.
Other names: c.1306C>T, p.Arg436Trp (NM_001282145.2, NM_001282146.2, NM_020742.4); c.1306C>T (NM_020742.3); short protein forms R436W.
Identifiers: ClinVar variation 1217853 (VCV001217853.4), dbSNP rs760432673, ClinGen allele CA10341043.

ClinVar aggregate classification (germline): Uncertain significance. Review status: criteria provided, multiple submitters, no conflicts (2 of 4 stars). 2 submissions from 2 submitters: Uncertain significance (2). Last evaluated 2026-08-08.

Conditions:
NLGN4X-related disorder. Also called: NLGN4X-related condition.

Allele frequency attached by ClinVar (database versions not stated): gnomAD exomes 0.00001; gnomAD 0.00004; TOPMed 0.00009.

Submissions (2):

PreventionGenetics, part of Exact Sciences
Classification: Uncertain significance for NLGN4X-related condition. Last evaluated: 2026-08-08. Review status: criteria provided, single submitter. Criteria: ACMG Guidelines, 2015. Collection method: clinical testing. Allele origin: germline.
Comment: The NLGN4X c.1306C>T variant is predicted to result in the amino acid substitution p.Arg436Trp. To our knowledge, this variant has not been reported in the literature. This variant is reported in 0.02% of alleles in individuals of African descent in gnomAD. At this time, the clinical significance of this variant is uncertain due to the absence of conclusive functional and genetic evidence.

GeneDx
Classification: Uncertain significance. Last evaluated: 2019-05-06. Review status: criteria provided, single submitter. Criteria: GeneDx Variant Classification Process June 2021. Collection method: clinical testing. Allele origin: germline. Affected: yes.
Comment: Has not been previously published as pathogenic or benign to our knowledge; In silico analysis, which includes protein predictors and evolutionary conservation, supports a deleterious effect